The following is an entry in ClinVar:

NM_170606.3(KMT2C):c.3725T>G (p.Met1242Arg)

Gene: KMT2C (lysine methyltransferase 2C; minus strand). Cytogenetic location: 7q36.1.
Variant type: single nucleotide variant.
Coding change: c.3725T>G on transcript NM_170606.3 (MANE Select); coding-DNA position 3725, T replaced by G.
Protein change: p.Met1242Arg; replaces methionine 1242 with arginine.
Molecular consequence: missense variant.
Genome position (GRCh38, 1-based): chr7:152,207,416, A>C on the plus strand (T>G on the coding strand, the complement: KMT2C is on the minus strand). VCF-style: chr7-152207416-A-C. GRCh37 (hg19) VCF-style: chr7-151904501-A-C.
Other names: short protein forms M1242R.
Identifiers: ClinVar variation 3365305 (VCV003365305.1).
Genomic context (GRCh38, chr7:152,207,416, plus strand): 5'-TTAGTTTCATCATCCACAGCTTCCCGCTCAGGACTAGATTCTGATTTTCCATCACAATCC[A>C]TAAGTTCTCCTTCTGGAAAAAAGTAAATGTATACACAAAACTGGAAAAACCTATCAAATA-3'
Protein context (NP_733751.2, residues 1232-1252): EMDDSREGEL[Met1242Arg]DCDGKSESSP

ClinVar aggregate classification (germline): Uncertain significance (1 of 4 stars; one submission).

Submission:

GeneDx
Classification: Uncertain significance. Last evaluated: 2023-12-07. Review status: criteria provided, single submitter. Criteria: GeneDx Variant Classification Process June 2021. Collection method: clinical testing. Allele origin: germline. Affected: yes.
Comment: Not observed at significant frequency in large population cohorts (gnomAD); In silico analysis supports that this missense variant has a deleterious effect on protein structure/function; In silico analysis is inconclusive as to whether the variant alters gene splicing. In the absence of RNA/functional studies, the actual effect of this sequence change is unknown.; Has not been previously published as pathogenic or benign to our knowledge